The following is an entry in ClinVar:

NM_018124.4(RFWD3):c.1618C>T (p.Arg540Cys)

Gene: RFWD3 (ring finger and WD repeat domain 3; minus strand). Cytogenetic location: 16q23.1.
Variant type: single nucleotide variant.
Coding change: c.1618C>T on transcript NM_018124.4 (MANE Select); coding-DNA position 1618, C replaced by T.
Protein change: p.Arg540Cys; replaces arginine 540 with cysteine.
Molecular consequence: missense variant. On other transcripts: intron variant (1).
Genome position (GRCh38, 1-based): chr16:74,630,917, G>A on the plus strand (C>T on the coding strand, the complement: RFWD3 is on the minus strand). VCF-style: chr16-74630917-G-A. GRCh37 (hg19) VCF-style: chr16-74664815-G-A.
Other names: c.1618C>T, p.Arg540Cys (NM_001370534.1, NM_001370535.1); c.784C>T, p.Arg262Cys (NM_001370537.1, NM_001370539.1, NM_001370540.1 and 2 more transcripts); c.1577+1606C>T (NM_001370536.1); c.1618C>T (NM_018124.3); short protein forms R262C, R540C.
Identifiers: ClinVar variation 1049365 (VCV001049365.5), dbSNP rs762604190, ClinGen allele CA8169124.

ClinVar aggregate classification (germline): Uncertain significance. Review status: criteria provided, multiple submitters, no conflicts (2 of 4 stars). 3 submissions from 3 submitters: Uncertain significance (2). 1 of the submissions does not count toward it. Last evaluated 2025-02-08.

Allele frequency attached by ClinVar (database versions not stated): gnomAD exomes 0.00001 and 0.00002; ExAC 0.00002; gnomAD 0.00003; TOPMed 0.00003.
gnomAD v4.1: 19 of 1,613,856 alleles (0.0012%); highest among the groups gnomAD compares: African/African-American, 0.004%; no homozygotes.

Submissions (3):

Ambry Genetics
Classification: Uncertain significance. Last evaluated: 2025-02-08. Review status: criteria provided, single submitter. Criteria: Ambry Variant Classification Scheme 2023. Collection method: clinical testing. Allele origin: germline.

Labcorp Genetics (formerly Invitae), Labcorp
Classification: Uncertain significance. Last evaluated: 2024-10-31. Review status: criteria provided, single submitter. Criteria: Invitae Variant Classification Sherloc (09022015). Collection method: clinical testing. Allele origin: germline.
Comment: This sequence change replaces arginine, which is basic and polar, with cysteine, which is neutral and slightly polar, at codon 540 of the RFWD3 protein (p.Arg540Cys). This variant is present in population databases (rs762604190, gnomAD 0.01%). This variant has not been reported in the literature in individuals affected with RFWD3-related conditions. ClinVar contains an entry for this variant (Variation ID: 1049365). An algorithm developed to predict the effect of missense changes on protein structure and function (PolyPhen-2) suggests that this variant is likely to be disruptive. In summary, the available evidence is currently insufficient to determine the role of this variant in disease. Therefore, it has been classified as a Variant of Uncertain Significance.

Department of Pathology and Laboratory Medicine, Sinai Health System
Classification: Uncertain significance. Review status: no assertion criteria provided. Collection method: clinical testing. Allele origin: unknown. Affected: yes. Study: The Canadian Open Genetics Repository (COGR). Not counted in ClinVar's aggregate classification.
Comment: The RFWD3 p.Arg540Cys variant was not identified in the literature nor was it identified in ClinVar or Cosmic. The variant was identified in dbSNP (ID: rs762604190) and in control databases in 5 of 250750 chromosomes at a frequency of 0.00001994 (Genome Aggregation Database March 6, 2019, v2.1.1). The variant was observed in the following populations: African in 2 of 16234 chromosomes (freq: 0.000123), European (Finnish) in 1 of 21642 chromosomes (freq: 0.000046), South Asian in 1 of 30510 chromosomes (freq: 0.000033) and Latino in 1 of 34376 chromosomes (freq: 0.000029), but was not observed in the Ashkenazi Jewish, East Asian, European (non-Finnish), or Other populations. The p.Arg540 residue is conserved in mammals but not in more distantly related organisms, and four out of five computational analyses (PolyPhen-2, SIFT, AlignGVGD, BLOSUM, MutationTaster) suggest that the variant may impact the protein; however, this information is not predictive enough to assume pathogenicity. The variant occurs outside of the splicing consensus sequence and in silico or computational prediction software programs (SpliceSiteFinder, MaxEntScan, NNSPLICE, GeneSplicer) do not predict a difference in splicing. In summary, based on the above information the clinical significance of this variant cannot be determined with certainty at this time. This variant is classified as a variant of uncertain significance.